The following is an entry in ClinVar:

ClinVar aggregate classification (germline): Likely pathogenic (1 of 4 stars; one submission).

Conditions:
Niemann-Pick disease, type C1. Also called: NEUROVISCERAL STORAGE DISEASE WITH VERTICAL SUPRANUCLEAR OPHTHALMOPLEGIA; NIEMANN-PICK DISEASE WITH CHOLESTEROL ESTERIFICATION BLOCK; NIEMANN-PICK DISEASE WITHOUT SPHINGOMYELINASE DEFICIENCY; NIEMANN-PICK DISEASE, CHRONIC NEURONOPATHIC FORM; NIEMANN-PICK DISEASE, VARIANT TYPE C1. Identifiers: Orphanet 646, MedGen C3179455, MONDO:0009757, OMIM 257220.

Submission:

Myriad Genetics, Inc.
Classification: Likely pathogenic for Niemann-Pick disease, type C1. Last evaluated: 2022-03-30. Review status: criteria provided, single submitter. Criteria: Myriad Women's Health Autosomal Recessive and X-Linked Classification Criteria (2021). Collection method: clinical testing. Allele origin: unknown.
Comment: NM_000271.4(NPC1):c.75T>A(C25*) is expected to be pathogenic in the context of Niemann-Pick disease type C1. This variant is predicted to lead to an abnormal or absent protein product due to the creation of a premature termination codon in NPC1, a gene where loss-of-function variants are known to be pathogenic. Please note: this variant was assessed in the context of healthy population screening.

NM_000271.5(NPC1):c.75T>A (p.Cys25Ter)

Gene: NPC1 (NPC intracellular cholesterol transporter 1; minus strand). Cytogenetic location: 18q11.2.
Variant type: single nucleotide variant.
Coding change: c.75T>A on transcript NM_000271.5 (MANE Select); coding-DNA position 75, T replaced by A.
Protein change: p.Cys25Ter; replaces cysteine 25 with a stop codon.
Molecular consequence: nonsense.
Genome position (GRCh38, 1-based): chr18:23,573,557, A>T on the plus strand (T>A on the coding strand, the complement: NPC1 is on the minus strand). VCF-style: chr18-23573557-A-T. GRCh37 (hg19) VCF-style: chr18-21153521-A-T.
Other names: short protein forms C25*.
Identifiers: ClinVar variation 1725574 (VCV001725574.2), dbSNP rs2511358085, ClinGen allele CA402041410.